The following is an entry in ClinVar:

ClinVar aggregate classification (germline): Uncertain significance. Review status: criteria provided, multiple submitters, no conflicts (2 of 4 stars). 2 submissions from 2 submitters: Uncertain significance (2). Last evaluated 2023-09-27.

Conditions:
Multiple endocrine neoplasia, type 1 (MEN1). Also called: MEN I; WERMER SYNDROME; MEA I; Endocrine adenomatosis multiple; MEN 1. Identifiers: Orphanet 652, MedGen C0025267, MeSH D018761, MONDO:0007540, OMIM 131100.

Submissions (2):

Baylor Genetics
Classification: Uncertain significance for Multiple Endocrine Neoplasia Type 1. Last evaluated: 2023-09-27. Review status: criteria provided, single submitter. Criteria: ACMG Guidelines, 2015. Collection method: clinical testing. Allele origin: unknown.

Labcorp Genetics (formerly Invitae), Labcorp
Classification: Uncertain significance for Multiple endocrine neoplasia, type 1. Last evaluated: 2021-09-02. Review status: criteria provided, single submitter. Criteria: Invitae Variant Classification Sherloc (09022015). Collection method: clinical testing. Allele origin: germline.
Comment: This sequence change replaces leucine with valine at codon 105 of the MEN1 protein (p.Leu105Val). The leucine residue is moderately conserved and there is a small physicochemical difference between leucine and valine. This variant is not present in population databases (ExAC no frequency). This variant has not been reported in the literature in individuals affected with MEN1-related conditions. Algorithms developed to predict the effect of missense changes on protein structure and function (SIFT, PolyPhen-2, Align-GVGD) all suggest that this variant is likely to be tolerated. In summary, the available evidence is currently insufficient to determine the role of this variant in disease. Therefore, it has been classified as a Variant of Uncertain Significance.

NM_001370259.2(MEN1):c.313C>G (p.Leu105Val)

Gene: MEN1 (menin 1; minus strand). Cytogenetic location: 11q13.1.
Variant type: single nucleotide variant.
Coding change: c.313C>G on transcript NM_001370259.2 (MANE Select); coding-DNA position 313, C replaced by G.
Protein change: p.Leu105Val; replaces leucine 105 with valine.
Molecular consequence: missense variant.
Genome position (GRCh38, 1-based): chr11:64,809,797, G>C on the plus strand (C>G on the coding strand, the complement: MEN1 is on the minus strand). VCF-style: chr11-64809797-G-C. GRCh37 (hg19) VCF-style: chr11-64577269-G-C.
Other names: c.313C>G, p.Leu105Val (NM_000244.4, NM_001370251.2, NM_001370260.2 and 9 more transcripts); short protein forms L105V.
Identifiers: ClinVar variation 861087 (VCV000861087.7), dbSNP rs1941990096, ClinGen allele CA381187428.
Genomic context (GRCh38, chr11:64,809,797, plus strand): 5'-TGACATCGGAGACCTTCTTCACCAGCTCACGGCTGGAGACACCCCCTTCTCGAGGATAGA[G>C]GGACAGGTCGACGGCGCCTCGGATCTGGGCGGTGAAGCGGGCATAGAGGGCGGCGATGAT-3'
Protein context (NP_001357188.2, residues 95-115): AQIRGAVDLS[Leu105Val]YPREGGVSSR